The following is an entry in ClinVar:

ClinVar aggregate classification (germline): Uncertain significance (1 of 4 stars; one submission).

Allele frequency attached by ClinVar (database versions not stated): gnomAD exomes 0.00001 and 0.00002; ExAC 0.00002; gnomAD 0.00003; TOPMed 0.00004; ESP Exome Variant Server 0.00008.
gnomAD v4.1: 21 of 1,613,948 alleles (0.0013%); highest among the groups gnomAD compares: Non-Finnish European, 0.0017%; no homozygotes.

Submission:

Labcorp Genetics (formerly Invitae), Labcorp
Classification: Uncertain significance. Last evaluated: 2025-11-25. Review status: criteria provided, single submitter. Criteria: Invitae Variant Classification Sherloc (09022015). Collection method: clinical testing. Allele origin: germline.
Comment: This sequence change creates a premature translational stop signal (p.Cys1310*) in the NLRP1 gene. It is expected to result in an absent or disrupted protein product. However, the current clinical and genetic evidence is not sufficient to establish whether loss-of-function variants in NLRP1 cause disease. This variant is present in population databases (rs141522655, gnomAD 0.004%). This variant has not been reported in the literature in individuals affected with NLRP1-related conditions. ClinVar contains an entry for this variant (Variation ID: 1467339). In summary, the available evidence is currently insufficient to determine the role of this variant in disease. Therefore, it has been classified as a Variant of Uncertain Significance.

NM_033004.4(NLRP1):c.3930C>A (p.Cys1310Ter)

Gene: NLRP1 (NLR family pyrin domain containing 1; minus strand). Cytogenetic location: 17p13.2.
Variant type: single nucleotide variant.
Coding change: c.3930C>A on transcript NM_033004.4 (MANE Select); coding-DNA position 3930, C replaced by A.
Protein change: p.Cys1310Ter; replaces cysteine 1310 with a stop codon.
Molecular consequence: nonsense.
Genome position (GRCh38, 1-based): chr17:5,517,873, G>T on the plus strand (C>A on the coding strand, the complement: NLRP1 is on the minus strand). VCF-style: chr17-5517873-G-T. GRCh37 (hg19) VCF-style: chr17-5421193-G-T.
Other names: c.3942C>A, p.Cys1314Ter (NM_001033053.3); c.3798C>A, p.Cys1266Ter (NM_014922.5); c.3840C>A, p.Cys1280Ter (NM_033006.4); c.3708C>A, p.Cys1236Ter (NM_033007.4); short protein forms C1236*, C1266*, C1314*, C1280*, C1310*.
Identifiers: ClinVar variation 1467339 (VCV001467339.6), dbSNP rs141522655, ClinGen allele CA8326696.
Genomic context (GRCh38, chr17:5,517,873, plus strand): 5'-TGATCCCAAGTGGCCAACGTAGAACTCCGAGAACAGCTGGTCTTCTCCAGGGCTTCGATA[G>T]CAGAGCTCCAGTTCCTGAAGAGGCAAAGAGTTGAGTTGCCACCCTGTTCATCTTGCATGG-3'